The following is an entry in ClinVar:

ClinVar aggregate classification (germline): Uncertain significance (1 of 4 stars; one submission).

Conditions:
IRS1-related disorder. Also called: IRS1-related condition.

Submission:

PreventionGenetics, part of Exact Sciences
Classification: Uncertain significance for IRS1-related condition. Last evaluated: 2024-11-06. Review status: criteria provided, single submitter. Criteria: ACMG Guidelines, 2015. Collection method: clinical testing. Allele origin: germline.
Comment: The IRS1 c.2906C>T variant is predicted to result in the amino acid substitution p.Pro969Leu. To our knowledge, this variant has not been reported in the literature or in a large population database (gnomAD), indicating this variant is rare. At this time, the clinical significance of this variant is uncertain due to the absence of conclusive functional and genetic evidence.

NM_005544.3(IRS1):c.2906C>T (p.Pro969Leu)

Gene: IRS1 (insulin receptor substrate 1; minus strand). Cytogenetic location: 2q36.3.
Variant type: single nucleotide variant.
Coding change: c.2906C>T on transcript NM_005544.3 (MANE Select); coding-DNA position 2906, C replaced by T.
Protein change: p.Pro969Leu; replaces proline 969 with leucine.
Molecular consequence: missense variant.
Genome position (GRCh38, 1-based): chr2:226,795,833, G>A on the plus strand (C>T on the coding strand, the complement: IRS1 is on the minus strand). VCF-style: chr2-226795833-G-A. GRCh37 (hg19) VCF-style: chr2-227660549-G-A.
Other names: short protein forms P969L.
Identifiers: ClinVar variation 4977557 (VCV004977557.1).